The following is an entry in ClinVar:

ClinVar aggregate classification (germline): Benign/Likely benign. Review status: criteria provided, multiple submitters, no conflicts (2 of 4 stars). 4 submissions from 4 submitters: Benign (1); Likely benign (2). 1 of the submissions does not count toward it. Last evaluated 2026-06-16.

Conditions:
PDGFRA-related disorder. Also called: PDGFRA-related condition.
Polyps, multiple and recurrent inflammatory fibroid, gastrointestinal. Identifiers: MedGen C5193005, MONDO:0008285, OMIM 175510.
Gastrointestinal stromal tumor. Also called: Gastrointestinal stromal tumor, somatic; Gastrointestinal stroma tumor. Identifiers: Orphanet 44890, MedGen C0238198, MeSH D046152, MONDO:0011719, OMIM 606764, HP:0100723.
Hereditary cancer-predisposing syndrome. Also called: Neoplastic Syndromes, Hereditary; Hereditary Cancer Syndrome; Hereditary neoplastic syndrome; Tumor predisposition. Identifiers: Orphanet 140162, MedGen C0027672, MeSH D009386, MONDO:0015356.

Allele frequency attached by ClinVar (database versions not stated): gnomAD 0.00001 and 0.00002; gnomAD exomes 0.00001 and below 0.00001; TOPMed 0.00001; ExAC 0.00001.
gnomAD v4.1: 13 of 1,613,660 alleles (0.00081%); highest among the groups gnomAD compares: East Asian, 0.0045%; no homozygotes.

Submissions (4):

Myriad Genetics, Inc.
Classification: Benign for Polyps, multiple and recurrent inflammatory fibroid, gastrointestinal. Last evaluated: 2026-06-16. Review status: criteria provided, single submitter. Criteria: Myriad Autosomal Dominant, Autosomal Recessive and X-Linked Classification Criteria (2023). Collection method: clinical testing. Allele origin: unknown.
Comment: This variant is considered benign. This variant is a silent/synonymous amino acid change and it is not expected to impact splicing.

Labcorp Genetics (formerly Invitae), Labcorp
Classification: Likely benign for Gastrointestinal stromal tumor. Last evaluated: 2026-01-20. Review status: criteria provided, single submitter. Criteria: Invitae Variant Classification Sherloc (09022015). Collection method: clinical testing. Allele origin: germline.

Ambry Genetics
Classification: Likely benign for Hereditary cancer-predisposing syndrome. Last evaluated: 2022-11-25. Review status: criteria provided, single submitter. Criteria: Ambry Variant Classification Scheme 2023. Collection method: clinical testing. Allele origin: germline.

PreventionGenetics, part of Exact Sciences
Classification: Likely benign for PDGFRA-related condition. Last evaluated: 2024-04-03. Review status: no assertion criteria provided. Collection method: clinical testing. Allele origin: germline. Not counted in ClinVar's aggregate classification.
Comment: This variant is classified as likely benign based on ACMG/AMP sequence variant interpretation guidelines (Richards et al. 2015 PMID: 25741868, with internal and published modifications).

NM_006206.6(PDGFRA):c.417C>T (p.Ile139=)

Gene: PDGFRA (platelet derived growth factor receptor alpha; plus strand). Cytogenetic location: 4q12.
Variant type: single nucleotide variant.
Coding change: c.417C>T on transcript NM_006206.6 (MANE Select); coding-DNA position 417, C replaced by T.
Protein change: p.Ile139=; no amino-acid change (isoleucine 139 retained).
Molecular consequence: synonymous variant.
Genome position (GRCh38, 1-based): chr4:54,263,716, C>T. VCF-style: chr4-54263716-C-T. GRCh37 (hg19) VCF-style: chr4-55129883-C-T.
Other names: c.417C>T (NM_006206.5); c.417C>T, p.Ile139= (NM_001347827.2, NM_001347829.2); c.492C>T, p.Ile164= (NM_001347828.2); c.456C>T, p.Ile152= (NM_001347830.2).
Identifiers: ClinVar variation 794968 (VCV000794968.15), dbSNP rs752320486, ClinGen allele CA2922287.
Genomic context (GRCh38, chr4:54,263,716, plus strand): 5'-TTAAACCACAGACCCAGATGTAGCCTTTGTACCTCTAGGAATGACGGATTATTTAGTCAT[C>T]GTGGAGGATGATGATTCTGCCATTATACCTTGTCGCACAACTGATCCCGAGACTCCTGTA-3'
Protein context (NP_006197.1, residues 129-149): VPLGMTDYLV[Ile139=]VEDDDSAIIP